The following is an entry in ClinVar:

ClinVar aggregate classification (germline): Uncertain significance (1 of 4 stars; one submission).

Conditions:
Multiple congenital anomalies-hypotonia-seizures syndrome 1 (MCAHS1). Also called: PIGN-CDG; Congenital disorder of glycosylation due to PIGN deficiency; GLYCOSYLPHOSPHATIDYLINOSITOL BIOSYNTHESIS DEFECT 3. Identifiers: Orphanet 280633, MedGen C3279775, MONDO:0013563, OMIM 614080.

Allele frequency attached by ClinVar (database versions not stated): gnomAD exomes 0.00001.
gnomAD v4.1: 12 of 1,613,022 alleles (0.00074%); highest among the groups gnomAD compares: Non-Finnish European, 0.001%; no homozygotes.

Submission:

Labcorp Genetics (formerly Invitae), Labcorp
Classification: Uncertain significance for Multiple congenital anomalies-hypotonia-seizures syndrome 1. Last evaluated: 2019-12-11. Review status: criteria provided, single submitter. Criteria: Invitae Variant Classification Sherloc (09022015). Collection method: clinical testing. Allele origin: germline.
Comment: This sequence change replaces tyrosine with cysteine at codon 438 of the PIGN protein (p.Tyr438Cys). The tyrosine residue is highly conserved and there is a large physicochemical difference between tyrosine and cysteine. This variant is not present in population databases (ExAC no frequency). This variant has not been reported in the literature in individuals with PIGN-related conditions. Algorithms developed to predict the effect of missense changes on protein structure and function (SIFT, PolyPhen-2, Align-GVGD) all suggest that this variant is likely to be disruptive, but these predictions have not been confirmed by published functional studies and their clinical significance is uncertain. In summary, the available evidence is currently insufficient to determine the role of this variant in disease. Therefore, it has been classified as a Variant of Uncertain Significance.

NM_176787.5(PIGN):c.1313A>G (p.Tyr438Cys)

Gene: PIGN (phosphatidylinositol glycan anchor biosynthesis class N; minus strand). Cytogenetic location: 18q21.33.
Variant type: single nucleotide variant.
Coding change: c.1313A>G on transcript NM_176787.5 (MANE Select); coding-DNA position 1313, A replaced by G.
Protein change: p.Tyr438Cys; replaces tyrosine 438 with cysteine.
Molecular consequence: missense variant.
Genome position (GRCh38, 1-based): chr18:62,113,255, T>C on the plus strand (A>G on the coding strand, the complement: PIGN is on the minus strand). VCF-style: chr18-62113255-T-C. GRCh37 (hg19) VCF-style: chr18-59780488-T-C.
Other names: c.1313A>G, p.Tyr438Cys (NM_012327.6); short protein forms Y438C.
Identifiers: ClinVar variation 852575 (VCV000852575.1), dbSNP rs2034954477, ClinGen allele CA402605906.